The following is an entry in ClinVar:

ClinVar aggregate classification (germline): Likely benign. Review status: criteria provided, single submitter (1 of 4 stars). 2 submissions from 2 submitters: Likely benign (1). 1 of the submissions does not count toward it. Last evaluated 2024-10-02.

Conditions:
SPINK5-related disorder. Also called: SPINK5-related condition.

Submissions (2):

Blueprint Genetics
Classification: Likely benign. Last evaluated: 2024-10-02. Review status: criteria provided, single submitter. Criteria: ACMG Guidelines, 2015. Collection method: clinical testing. Allele origin: germline.

PreventionGenetics, part of Exact Sciences
Classification: Likely benign for SPINK5-related condition. Last evaluated: 2019-04-01. Review status: no assertion criteria provided. Collection method: clinical testing. Allele origin: germline. Not counted in ClinVar's aggregate classification.
Comment: This variant is classified as likely benign based on ACMG/AMP sequence variant interpretation guidelines (Richards et al. 2015 PMID: 25741868, with internal and published modifications).

NM_006846.4(SPINK5):c.*6_*8dup

Gene: SPINK5 (serine peptidase inhibitor Kazal type 5; plus strand). Cytogenetic location: 5q32.
Variant type: Duplication.
Coding change: c.*6_*8dup on transcript NM_006846.4 (MANE Select); 6 bases downstream of the stop codon through 8 bases downstream of the stop codon, 3 bases duplicated (AGA; older notation c.*6_*8dupAGA).
Molecular consequence: 3 prime UTR variant.
Genome position (GRCh38, 1-based): chr5:148,136,997-148,136,999, AGA duplicated; duplicating any 3 consecutive bases within chr5:148,136,995-148,136,999 gives the same sequence; the c. name uses the placement nearest the transcript's 3' end. VCF-style (leftmost placement, unchanged base first): chr5-148136994-G-GGAA. GRCh37 (hg19) VCF-style: chr5-147516557-G-GGAA.
Other names: c.*6_*8dupAGA (NM_006846.3); c.*6_*8dup (NM_001127698.2).
Identifiers: ClinVar variation 3035635 (VCV003035635.3), dbSNP rs564723902, ClinGen allele CA3496307.
Genomic context (GRCh38, chr5:148,136,994, plus strand): 5'-TGCAATATCTCTGGGTTCTAGCATCTAACCTACCCATCTTCTCTTCTAGGACGAATGACA[G>GGAA]GAAGATTGTTGAAAGCCATGAGGGAAAAAATAAACCCCAGTTCTGAATCACCTACCTTCA-3'